The following is an entry in ClinVar:

NM_001034116.2(EIF2B4):c.134A>G (p.Gln45Arg)

Gene: EIF2B4 (eukaryotic translation initiation factor 2B subunit delta; minus strand). Cytogenetic location: 2p23.3.
Variant type: single nucleotide variant.
Coding change: c.134A>G on transcript NM_001034116.2 (MANE Select); coding-DNA position 134, A replaced by G.
Protein change: p.Gln45Arg; replaces glutamine 45 with arginine.
Molecular consequence: missense variant. On other transcripts: 5 prime UTR variant (2).
Genome position (GRCh38, 1-based): chr2:27,369,491, T>C on the plus strand (A>G on the coding strand, the complement: EIF2B4 is on the minus strand). VCF-style: chr2-27369491-T-C. GRCh37 (hg19) VCF-style: chr2-27592358-T-C.
Other names: c.197A>G, p.Gln66Arg (NM_001318965.2, NM_172195.4); c.89A>G, p.Gln30Arg (NM_001318966.2); c.44A>G, p.Gln15Arg (NM_001318967.2); c.-382A>G (NM_001318968.2); c.-459A>G (NM_001318969.2); c.134A>G, p.Gln45Arg (NM_015636.4); short protein forms Q15R, Q30R, Q45R, Q66R.
Identifiers: ClinVar variation 2190658 (VCV002190658.1), dbSNP rs748820541, ClinGen allele CA1577007.

ClinVar aggregate classification (germline): Uncertain significance (1 of 4 stars; one submission).

Allele frequency attached by ClinVar (database versions not stated): ExAC 0.00001; gnomAD exomes 0.00001; gnomAD 0.00004; TOPMed 0.00007.

Submission:

Labcorp Genetics (formerly Invitae), Labcorp
Classification: Uncertain significance. Last evaluated: 2022-08-15. Review status: criteria provided, single submitter. Criteria: Invitae Variant Classification Sherloc (09022015). Collection method: clinical testing. Allele origin: germline.
Comment: This sequence change replaces glutamine, which is neutral and polar, with arginine, which is basic and polar, at codon 45 of the EIF2B4 protein (p.Gln45Arg). This variant is present in population databases (rs748820541, gnomAD 0.009%). This missense change has been observed in individual(s) with clinical features of leukoencephalopathy with vanishing white matter (PMID: 33432707). Algorithms developed to predict the effect of missense changes on protein structure and function are either unavailable or do not agree on the potential impact of this missense change (SIFT: "Tolerated"; PolyPhen-2: "Probably Damaging"; Align-GVGD: "Class C0"). In summary, the available evidence is currently insufficient to determine the role of this variant in disease. Therefore, it has been classified as a Variant of Uncertain Significance.

Literature cited by the submitters: PubMed 33432707.